The following is an entry in ClinVar:

NM_021813.4(BACH2):c.2366A>T (p.Asn789Ile)

Gene: BACH2 (BACH transcriptional regulator 2; minus strand). Cytogenetic location: 6q15.
Variant type: single nucleotide variant.
Coding change: c.2366A>T on transcript NM_021813.4 (MANE Select); coding-DNA position 2366, A replaced by T.
Protein change: p.Asn789Ile; replaces asparagine 789 with isoleucine.
Molecular consequence: missense variant.
Genome position (GRCh38, 1-based): chr6:89,932,568, T>A on the plus strand (A>T on the coding strand, the complement: BACH2 is on the minus strand). VCF-style: chr6-89932568-T-A. GRCh37 (hg19) VCF-style: chr6-90642287-T-A.
Other names: c.2366A>T, p.Asn789Ile (NM_001170794.2); short protein forms N789I.
Identifiers: ClinVar variation 4742657 (VCV004742657.1).

ClinVar aggregate classification (germline): Uncertain significance (1 of 4 stars; one submission).

gnomAD v4.1: 2 of 1,614,090 alleles (0.00012%); highest among the groups gnomAD compares: Non-Finnish European, 0.00017%; no homozygotes.

Submission:

Labcorp Genetics (formerly Invitae), Labcorp
Classification: Uncertain significance. Last evaluated: 2025-12-17. Review status: criteria provided, single submitter. Criteria: Invitae Variant Classification Sherloc (09022015). Collection method: clinical testing. Allele origin: germline.
Comment: This sequence change replaces asparagine, which is neutral and polar, with isoleucine, which is neutral and non-polar, at codon 789 of the BACH2 protein (p.Asn789Ile). This variant is not present in population databases (gnomAD no frequency). This variant has not been reported in the literature in individuals affected with BACH2-related conditions. Invitae Evidence Modeling of protein sequence and biophysical properties (such as structural, functional, and spatial information, amino acid conservation, physicochemical variation, residue mobility, and thermodynamic stability) indicates that this missense variant is not expected to disrupt BACH2 protein function with a negative predictive value of 80%. In summary, the available evidence is currently insufficient to determine the role of this variant in disease. Therefore, it has been classified as a Variant of Uncertain Significance.